The following is an entry in ClinVar:

NM_022726.4(ELOVL4):c.425_426del (p.Thr142fs)

Gene: ELOVL4 (ELOVL fatty acid elongase 4; minus strand). Cytogenetic location: 6q14.1.
Variant type: Microsatellite.
Coding change: c.425_426del on transcript NM_022726.4 (MANE Select); coding-DNA positions 425 to 426, 2 bases deleted (CA; older notation c.425_426delCA).
Protein change: p.Thr142fs; shifts the reading frame from threonine 142.
Molecular consequence: frameshift variant.
Genome position (GRCh38, 1-based): chr6:79,921,740-79,921,741, TG deleted on the plus strand (CA on the coding strand, the reverse complement: ELOVL4 is on the minus strand); deleting any 2 consecutive bases within chr6:79,921,740-79,921,744 gives the same sequence; the c. name uses the placement nearest the transcript's 3' end. VCF-style (leftmost placement, unchanged base first): chr6-79921739-CTG-C. GRCh37 (hg19) VCF-style: chr6-80631456-CTG-C.
Other names: short protein forms T142fs.
Identifiers: ClinVar variation 2109327 (VCV002109327.4), dbSNP rs1263687624, ClinGen allele CA568600871.
Genomic context (GRCh38, chr6:79,921,739, plus strand): 5'-AGTGATGATACACATGAAGGAAAGAAACTTGGTTGTTTTTCTTTCTCAGAATAAAAAACA[CTG>C]TGTCCAAATACTCAACTCCTTTAGATACAAAGTACCACCACAGAGCAGCAGCTATCTGTA-3'

ClinVar aggregate classification (germline): Pathogenic (1 of 4 stars; one submission).

Submission:

Labcorp Genetics (formerly Invitae), Labcorp
Classification: Pathogenic. Last evaluated: 2022-03-11. Review status: criteria provided, single submitter. Criteria: Invitae Variant Classification Sherloc (09022015). Collection method: clinical testing. Allele origin: germline.
Comment: For these reasons, this variant has been classified as Pathogenic. This variant has not been reported in the literature in individuals affected with ELOVL4-related conditions. This variant is present in population databases (no rsID available, gnomAD 0.0009%). This sequence change creates a premature translational stop signal (p.Thr142Serfs*32) in the ELOVL4 gene. It is expected to result in an absent or disrupted protein product. Loss-of-function variants in ELOVL4 are known to be pathogenic (PMID: 24571530).

Literature cited by the submitters: PubMed 24571530.